The following is an entry in ClinVar:

NM_173500.4(TTBK2):c.3427A>G (p.Ser1143Gly)

Gene: TTBK2 (tau tubulin kinase 2; minus strand). Cytogenetic location: 15q15.2.
Variant type: single nucleotide variant.
Coding change: c.3427A>G on transcript NM_173500.4 (MANE Select); coding-DNA position 3427, A replaced by G.
Protein change: p.Ser1143Gly; replaces serine 1143 with glycine.
Molecular consequence: missense variant.
Genome position (GRCh38, 1-based): chr15:42,746,103, T>C on the plus strand (A>G on the coding strand, the complement: TTBK2 is on the minus strand). VCF-style: chr15-42746103-T-C. GRCh37 (hg19) VCF-style: chr15-43038301-T-C.
Other names: short protein forms S1143G.
Identifiers: ClinVar variation 315976 (VCV000315976.10), dbSNP rs777159553, ClinGen allele CA7516577.

ClinVar aggregate classification (germline): Uncertain significance. Review status: criteria provided, multiple submitters, no conflicts (2 of 4 stars). 4 submissions from 4 submitters: Uncertain significance (4). Last evaluated 2023-07-12.

Conditions:
Spinocerebellar ataxia type 11 (SCA11). Identifiers: Orphanet 98767, MedGen C1858351, MONDO:0011464, OMIM 604432.

Allele frequency attached by ClinVar (database versions not stated): gnomAD 0.00001; TOPMed 0.00001; gnomAD exomes 0.00002 and 0.00004; ExAC 0.00004.
gnomAD v4.1: 38 of 1,613,950 alleles (0.0024%); highest among the groups gnomAD compares: Middle Eastern, 0.066%; 1 homozygote.

Submissions (4):

Labcorp Genetics (formerly Invitae), Labcorp
Classification: Uncertain significance. Last evaluated: 2023-07-12. Review status: criteria provided, single submitter. Criteria: Invitae Variant Classification Sherloc (09022015). Collection method: clinical testing. Allele origin: germline.
Comment: An algorithm developed to predict the effect of missense changes on protein structure and function (PolyPhen-2) suggests that this variant is likely to be disruptive. ClinVar contains an entry for this variant (Variation ID: 315976). This variant has not been reported in the literature in individuals affected with TTBK2-related conditions. The frequency data for this variant in the population databases is considered unreliable, as metrics indicate poor data quality at this position in the gnomAD database. This sequence change replaces serine, which is neutral and polar, with glycine, which is neutral and non-polar, at codon 1143 of the TTBK2 protein (p.Ser1143Gly). In summary, the available evidence is currently insufficient to determine the role of this variant in disease. Therefore, it has been classified as a Variant of Uncertain Significance.

Athena Diagnostics
Classification: Uncertain significance. Last evaluated: 2022-03-18. Review status: criteria provided, single submitter. Criteria: Athena Diagnostics Criteria. Collection method: clinical testing. Allele origin: unknown.

Illumina Laboratory Services, Illumina
Classification: Uncertain significance for Spinocerebellar ataxia type 11. Last evaluated: 2018-01-13. Review status: criteria provided, single submitter. Criteria: ICSL Variant Classification Criteria 13 December 2019. Collection method: clinical testing. Allele origin: germline.

Breakthrough Genomics
Classification: Uncertain significance. Review status: criteria provided, single submitter. Criteria: ACMG Guidelines, 2015. Collection method: not provided. Allele origin: germline. Inheritance: Autosomal dominant inheritance. Affected: yes.